The following is an entry in ClinVar:

NM_014844.5(TECPR2):c.1565_1566del (p.Glu522fs)

Gene: TECPR2 (tectonin beta-propeller repeat containing 2; plus strand). Cytogenetic location: 14q32.31.
Variant type: Microsatellite.
Coding change: c.1565_1566del on transcript NM_014844.5 (MANE Select); coding-DNA positions 1565 to 1566, 2 bases deleted (AG; older notation c.1565_1566delAG).
Protein change: p.Glu522fs; shifts the reading frame from glutamic acid 522.
Molecular consequence: frameshift variant.
Genome position (GRCh38, 1-based): chr14:102,434,382-102,434,383, AG deleted; deleting any 2 consecutive bases within chr14:102,434,380-102,434,383 gives the same sequence; the c. name uses the placement nearest the transcript's 3' end. VCF-style (leftmost placement, unchanged base first): chr14-102434379-CAG-C. GRCh37 (hg19) VCF-style: chr14-102900716-CAG-C.
Other names: c.1565_1566del, p.Glu522fs (NM_001172631.3); short protein forms E522fs.
Identifiers: ClinVar variation 5004822 (VCV005004822.1).

ClinVar aggregate classification (germline): Pathogenic (1 of 4 stars; one submission).

Conditions:
Hereditary spastic paraplegia 49 (HSAN9). Also called: Spastic paraplegia 49, autosomal recessive; NEUROPATHY, HEREDITARY SENSORY AND AUTONOMIC, TYPE IX, WITH DEVELOPMENTAL DELAY; TECPR2-Related Hereditary Sensory and Autonomic Neuropathy with Intellectual Disability. Identifiers: Orphanet 320385, MedGen C5190860, MONDO:0014016, OMIM 615031.

Submission:

Myriad Genetics, Inc.
Classification: Pathogenic for Hereditary spastic paraplegia 49. Last evaluated: 2026-07-30. Review status: criteria provided, single submitter. Criteria: Myriad Autosomal Dominant, Autosomal Recessive and X-Linked Classification Criteria (2023). Collection method: clinical testing. Allele origin: unknown.
Comment: NM_014844.3(TECPR2):c.1565_1566delAG(E522Vfs*11) is a frameshift variant classified as pathogenic in the context of spastic paraplegia, TECPR2-related. E522Vfs*11 has not been observed in cases with relevant disease. Relevant functional assessments of this variant are not available in the literature. E522Vfs*11 has not been observed in referenced population frequency databases. In summary, NM_014844.3(TECPR2):c.1565_1566delAG(E522Vfs*11) is a frameshift variant in a gene where loss of function is a known mechanism of disease and is predicted to disrupt protein function. Please note: this variant was assessed in the context of healthy population screening.